The following is an entry in ClinVar:

ClinVar aggregate classification (germline): Uncertain significance (1 of 4 stars; one submission).

Conditions:
CHD7-related CHARGE syndrome. Identifiers: MedGen CN380413, MONDO:1010178, OMIM 214800.

Submission:

Molecular Genetics Laboratory, Motol Hospital
Classification: Uncertain significance for CHD7-related CHARGE syndrome. Last evaluated: 2012-03-30. Review status: criteria provided, single submitter. Criteria: ACMG Guidelines, 2015. Collection method: clinical testing. Allele origin: germline. Affected: yes. Observed: 1 variant allele.
Comment: Rare missense variants in the CHD7 gene are associated with autosomal dominant CHARGE syndrome (MIM:214800). Rare variant not present in the non-Finnish European poulation (gnomAD v4.1.0). The variant inheritance (de novo/inherited) is unknown. The variant is classified as uncertain, however, with a high likehood of clinical relevance due to the phenotypic overlap with CHARGE syndrome.

NM_017780.4(CHD7):c.3281T>G (p.Leu1094Arg)

Gene: CHD7 (chromodomain helicase DNA binding protein 7; plus strand). Cytogenetic location: 8q12.2.
Variant type: single nucleotide variant.
Coding change: c.3281T>G on transcript NM_017780.4 (MANE Select); coding-DNA position 3281, T replaced by G.
Protein change: p.Leu1094Arg; replaces leucine 1094 with arginine.
Molecular consequence: missense variant. On other transcripts: intron variant (1).
Genome position (GRCh38, 1-based): chr8:60,823,919, T>G. VCF-style: chr8-60823919-T-G. GRCh37 (hg19) VCF-style: chr8-61736478-T-G.
Other names: c.1717-38310T>G (NM_001316690.1); short protein forms L1094R.
Identifiers: ClinVar variation 4819322 (VCV004819322.1).